The following is an entry in ClinVar:

NM_015178.3(RHOBTB2):c.437A>G (p.Tyr146Cys)

Gene: RHOBTB2 (Rho related BTB domain containing 2; plus strand). Cytogenetic location: 8p21.3.
Variant type: single nucleotide variant.
Coding change: c.437A>G on transcript NM_015178.3 (MANE Select); coding-DNA position 437, A replaced by G.
Protein change: p.Tyr146Cys; replaces tyrosine 146 with cysteine.
Molecular consequence: missense variant.
Genome position (GRCh38, 1-based): chr8:23,006,100, A>G. VCF-style: chr8-23006100-A-G. GRCh37 (hg19) VCF-style: chr8-22863613-A-G.
Other names: c.503A>G, p.Tyr168Cys (NM_001160036.2); c.458A>G, p.Tyr153Cys (NM_001160037.2); c.437A>G, p.Tyr146Cys (NM_001374791.1); short protein forms Y146C, Y153C, Y168C.
Identifiers: ClinVar variation 2849830 (VCV002849830.3), dbSNP rs2487003107, ClinGen allele CA370561533.

ClinVar aggregate classification (germline): Uncertain significance (1 of 4 stars; one submission).

Submission:

Labcorp Genetics (formerly Invitae), Labcorp
Classification: Uncertain significance. Last evaluated: 2023-04-15. Review status: criteria provided, single submitter. Criteria: Invitae Variant Classification Sherloc (09022015). Collection method: clinical testing. Allele origin: germline.
Comment: In summary, the available evidence is currently insufficient to determine the role of this variant in disease. Therefore, it has been classified as a Variant of Uncertain Significance. Advanced modeling of protein sequence and biophysical properties (such as structural, functional, and spatial information, amino acid conservation, physicochemical variation, residue mobility, and thermodynamic stability) performed at Invitae indicates that this missense variant is expected to disrupt RHOBTB2 protein function. This variant has not been reported in the literature in individuals affected with RHOBTB2-related conditions. This variant is not present in population databases (gnomAD no frequency). This sequence change replaces tyrosine, which is neutral and polar, with cysteine, which is neutral and slightly polar, at codon 168 of the RHOBTB2 protein (p.Tyr168Cys).